The following is an entry in ClinVar:

NM_014797.3(ZBTB24):c.904G>A (p.Val302Ile)

Gene: ZBTB24 (zinc finger and BTB domain containing 24; minus strand). Cytogenetic location: 6q21.
Variant type: single nucleotide variant.
Coding change: c.904G>A on transcript NM_014797.3 (MANE Select); coding-DNA position 904, G replaced by A.
Protein change: p.Val302Ile; replaces valine 302 with isoleucine.
Molecular consequence: missense variant.
Genome position (GRCh38, 1-based): chr6:109,481,123, C>T on the plus strand (G>A on the coding strand, the complement: ZBTB24 is on the minus strand). VCF-style: chr6-109481123-C-T. GRCh37 (hg19) VCF-style: chr6-109802326-C-T.
Other names: c.904G>A, p.Val302Ile (NM_001164313.2); short protein forms V302I.
Identifiers: ClinVar variation 948576 (VCV000948576.1), dbSNP rs1448560892, ClinGen allele CA365207492.
Genomic context (GRCh38, chr6:109,481,123, plus strand): 5'-AAACATCATTACCTGTGTGGCTCCTCTGGTGGATTGCTAAAAAGTGATTGTACTTAAAGA[C>T]CTTGCCACAGTCTTTACAGCGGGCCTCAGGGCCTCCAGGGCGCTTTCTCCTTCCACAGAT-3'
Protein context (NP_055612.2, residues 292-312): PEARCKDCGK[Val302Ile]FKYNHFLAIH

ClinVar aggregate classification (germline): Uncertain significance (1 of 4 stars; one submission).

Conditions:
Immunodeficiency-centromeric instability-facial anomalies syndrome 2 (ICF2). Identifiers: Orphanet 2268, MedGen C3279748, MONDO:0013553, OMIM 614069.

Allele frequency attached by ClinVar (database versions not stated): gnomAD exomes below 0.00001.
gnomAD v4.1: 2 of 1,614,236 alleles (0.00012%); highest among the groups gnomAD compares: Non-Finnish European, 0.00017%; no homozygotes.

Submission:

Labcorp Genetics (formerly Invitae), Labcorp
Classification: Uncertain significance for Immunodeficiency-centromeric instability-facial anomalies syndrome 2. Last evaluated: 2019-07-30. Review status: criteria provided, single submitter. Criteria: Invitae Variant Classification Sherloc (09022015). Collection method: clinical testing. Allele origin: germline.
Comment: This sequence change replaces valine with isoleucine at codon 302 of the ZBTB24 protein (p.Val302Ile). The valine residue is highly conserved and there is a small physicochemical difference between valine and isoleucine. This variant is not present in population databases (ExAC no frequency). This variant has not been reported in the literature in individuals with ZBTB24-related conditions. Algorithms developed to predict the effect of missense changes on protein structure and function are either unavailable or do not agree on the potential impact of this missense change (SIFT: "Tolerated"; PolyPhen-2: "Possibly Damaging"; Align-GVGD: "Class C0"). In summary, the available evidence is currently insufficient to determine the role of this variant in disease. Therefore, it has been classified as a Variant of Uncertain Significance.